The following is an entry in ClinVar:

ClinVar aggregate classification (germline): Uncertain significance. Review status: criteria provided, multiple submitters, no conflicts (2 of 4 stars). 4 submissions from 4 submitters: Uncertain significance (4). Last evaluated 2024-08-29.

Conditions:
Spermatogenic failure 28. Identifiers: MedGen C4748117, MONDO:0054732, OMIM 618086.
Premature ovarian failure 15. Identifiers: MedGen C4748170, MONDO:0054862, OMIM 618096.
Fanconi anemia (FA). Also called: Fanconi's anemia. Identifiers: Orphanet 84, MedGen C0015625, MeSH D005199, MONDO:0019391.

Allele frequency attached by ClinVar (database versions not stated): gnomAD exomes below 0.00001 and 0.00001; TOPMed below 0.00001; gnomAD 0.00001; ExAC 0.00002.
gnomAD v4.1: 7 of 1,437,176 alleles (0.00049%); highest among the groups gnomAD compares: Non-Finnish European, 0.00069%; no homozygotes.

Submissions (4):

Quest Diagnostics Nichols Institute San Juan Capistrano
Classification: Uncertain significance. Last evaluated: 2024-08-29. Review status: criteria provided, single submitter. Criteria: Quest Diagnostics criteria. Collection method: clinical testing. Allele origin: unknown.
Comment: The FANCM c.1394A>G (p.Asn465Ser) variant has been observed in the published literature in individuals with breast cancer as well as reportedly healthy individuals (PMID: 33471991 (2021), see also LOVD). The frequency of this variant in the general population, 0.000031 (4/128964 chromosomes (Genome Aggregation Database)), is uninformative in the assessment of its pathogenicity. Analysis of this variant using bioinformatics tools for the prediction of the effect of amino acid changes on protein structure and function yielded predictions that this variant is benign. Based on the available information, we are unable to determine the clinical significance of this variant.

GeneDx
Classification: Uncertain significance. Last evaluated: 2023-06-22. Review status: criteria provided, single submitter. Criteria: GeneDx Variant Classification Process June 2021. Collection method: clinical testing. Allele origin: germline. Affected: yes.
Comment: Not observed at significant frequency in large population cohorts (gnomAD); In silico analysis supports that this missense variant does not alter protein structure/function; Has not been previously published as pathogenic or benign to our knowledge

Labcorp Genetics (formerly Invitae), Labcorp
Classification: Uncertain significance for Fanconi anemia. Last evaluated: 2022-10-31. Review status: criteria provided, single submitter. Criteria: Invitae Variant Classification Sherloc (09022015). Collection method: clinical testing. Allele origin: germline.
Comment: Algorithms developed to predict the effect of missense changes on protein structure and function (SIFT, PolyPhen-2, Align-GVGD) all suggest that this variant is likely to be tolerated. ClinVar contains an entry for this variant (Variation ID: 1387613). This variant has not been reported in the literature in individuals affected with FANCM-related conditions. This variant is present in population databases (rs747572587, gnomAD 0.003%). This sequence change replaces asparagine, which is neutral and polar, with serine, which is neutral and polar, at codon 465 of the FANCM protein (p.Asn465Ser). Algorithms developed to predict the effect of sequence changes on RNA splicing suggest that this variant may disrupt the consensus splice site. In summary, the available evidence is currently insufficient to determine the role of this variant in disease. Therefore, it has been classified as a Variant of Uncertain Significance.

Fulgent Genetics
Classification: Uncertain significance for Spermatogenic failure 28; Premature ovarian failure 15. Last evaluated: 2022-04-15. Review status: criteria provided, single submitter. Criteria: ACMG Guidelines, 2015. Collection method: clinical testing. Allele origin: unknown.

Literature cited by the submitters: PubMed 33471991 (cited by Quest Diagnostics Nichols Institute San Juan Capistrano).

NM_020937.4(FANCM):c.1394A>G (p.Asn465Ser)

Gene: FANCM (FA complementation group M; plus strand). Cytogenetic location: 14q21.2.
Variant type: single nucleotide variant.
Coding change: c.1394A>G on transcript NM_020937.4 (MANE Select); coding-DNA position 1394, A replaced by G.
Protein change: p.Asn465Ser; replaces asparagine 465 with serine.
Molecular consequence: missense variant.
Genome position (GRCh38, 1-based): chr14:45,155,457, A>G. VCF-style: chr14-45155457-A-G. GRCh37 (hg19) VCF-style: chr14-45624660-A-G.
Other names: c.1316A>G, p.Asn439Ser (NM_001308133.2); c.1394A>G, p.Asn465Ser (NM_001308134.2); c.1394A>G (NM_020937.3); short protein forms N465S, N439S.
Identifiers: ClinVar variation 1387613 (VCV001387613.9), dbSNP rs747572587, ClinGen allele CA7169030.